The following is an entry in ClinVar:

NM_001281740.3(FHOD3):c.3385G>A (p.Glu1129Lys)

Gene: FHOD3 (formin homology 2 domain containing 3; plus strand). Cytogenetic location: 18q12.2.
Variant type: single nucleotide variant.
Coding change: c.3385G>A on transcript NM_001281740.3 (MANE Select); coding-DNA position 3385, G replaced by A.
Protein change: p.Glu1129Lys; replaces glutamic acid 1129 with lysine.
Molecular consequence: missense variant.
Genome position (GRCh38, 1-based): chr18:36,718,683, G>A. VCF-style: chr18-36718683-G-A. GRCh37 (hg19) VCF-style: chr18-34298646-G-A.
Other names: c.2809G>A, p.Glu937Lys (NM_001281739.3); c.2860G>A, p.Glu954Lys (NM_025135.5); short protein forms E1129K, E937K, E954K.
Identifiers: ClinVar variation 3253564 (VCV003253564.1), dbSNP rs1310022477.

ClinVar aggregate classification (germline): Uncertain significance (1 of 4 stars; one submission).

Allele frequency attached by ClinVar (database versions not stated): gnomAD exomes below 0.00001; gnomAD 0.00002; TOPMed 0.00002.
gnomAD v4.1: 5 of 1,613,916 alleles (0.00031%); highest among the groups gnomAD compares: Non-Finnish European, 0.00042%; no homozygotes.

Submission:

GeneDx
Classification: Uncertain significance. Last evaluated: 2023-12-11. Review status: criteria provided, single submitter. Criteria: GeneDx Variant Classification Process June 2021. Collection method: clinical testing. Allele origin: germline. Affected: yes.
Comment: Not observed at significant frequency in large population cohorts (gnomAD); In silico analysis supports that this missense variant has a deleterious effect on protein structure/function; Has not been previously published as pathogenic or benign to our knowledge